The following is an entry in ClinVar:

NM_014946.4(SPAST):c.1664A>T (p.Asp555Val)

Gene: SPAST (spastin; plus strand). Cytogenetic location: 2p22.3.
Variant type: single nucleotide variant.
Coding change: c.1664A>T on transcript NM_014946.4 (MANE Select); coding-DNA position 1664, A replaced by T.
Protein change: p.Asp555Val; replaces aspartic acid 555 with valine.
Molecular consequence: missense variant. On other transcripts: intron variant (1).
Genome position (GRCh38, 1-based): chr2:32,144,984, A>T. VCF-style: chr2-32144984-A-T. GRCh37 (hg19) VCF-style: chr2-32370053-A-T.
Other names: c.1661A>T, p.Asp554Val (NM_001363823.2); c.1565A>T, p.Asp522Val (NM_001363875.2); c.1568A>T, p.Asp523Val (NM_199436.2); c.1520+1569A>T (NM_001377959.1); short protein forms D522V, D554V, D555V, D523V.
Identifiers: ClinVar variation 3666868 (VCV003666868.2).

ClinVar aggregate classification (germline): Uncertain significance (1 of 4 stars; one submission).

Conditions:
Hereditary spastic paraplegia 4. Also called: Familial spastic paraplegia autosomal dominant 2; Spastic paraplegia 4, autosomal dominant; Spastic Paraplegia 4. Identifiers: Orphanet 100985, MedGen C1866855, MONDO:0008438, OMIM 182601.

Submission:

Labcorp Genetics (formerly Invitae), Labcorp
Classification: Uncertain significance for Hereditary spastic paraplegia 4. Last evaluated: 2025-01-14. Review status: criteria provided, single submitter. Criteria: Invitae Variant Classification Sherloc (09022015). Collection method: clinical testing. Allele origin: germline.
Comment: This sequence change replaces aspartic acid, which is acidic and polar, with valine, which is neutral and non-polar, at codon 555 of the SPAST protein (p.Asp555Val). This variant is not present in population databases (gnomAD no frequency). This variant has not been reported in the literature in individuals affected with SPAST-related conditions. Invitae Evidence Modeling of protein sequence and biophysical properties (such as structural, functional, and spatial information, amino acid conservation, physicochemical variation, residue mobility, and thermodynamic stability) indicates that this missense variant is expected to disrupt SPAST protein function with a positive predictive value of 80%. This variant disrupts the p.Asp555 amino acid residue in SPAST. Other variant(s) that disrupt this residue have been determined to be pathogenic (PMID: 10699187, 18701882, 20559269, 25421405, 32655478). This suggests that this residue is clinically significant, and that variants that disrupt this residue are likely to be disease-causing. In summary, the available evidence is currently insufficient to determine the role of this variant in disease. Therefore, it has been classified as a Variant of Uncertain Significance.

Literature cited by the submitters: PubMed 10699187; PubMed 18701882; PubMed 20559269; PubMed 25421405; PubMed 32655478.